The following is an entry in ClinVar:

NM_003482.4(KMT2D):c.11920C>T (p.Gln3974Ter)

Gene: KMT2D (lysine methyltransferase 2D; minus strand). Cytogenetic location: 12q13.12.
Variant type: single nucleotide variant.
Coding change: c.11920C>T on transcript NM_003482.4 (MANE Select); coding-DNA position 11920, C replaced by T.
Protein change: p.Gln3974Ter; replaces glutamine 3974 with a stop codon.
Molecular consequence: nonsense.
Genome position (GRCh38, 1-based): chr12:49,032,785, G>A on the plus strand (C>T on the coding strand, the complement: KMT2D is on the minus strand). VCF-style: chr12-49032785-G-A. GRCh37 (hg19) VCF-style: chr12-49426568-G-A.
Other names: short protein forms Q3974*.
Identifiers: ClinVar variation 4883362 (VCV004883362.2).

ClinVar aggregate classification (germline): Likely pathogenic (1 of 4 stars; one submission).

Submission:

Dasa
Classification: Likely pathogenic. Last evaluated: 2024-10-22. Review status: criteria provided, single submitter. Criteria: DASA Assertion Criteria. Collection method: clinical testing. Allele origin: germline.
Comment: NM_003482.4(KMT2D):c.11920C>T (p.Gln3974*) is a nonsense variant in KMT2D predicted to introduce a premature termination codon and is predicted to result in an absent or altered protein product. Loss of function is an established disease mechanism for KMT2D (PMID: 20711175; PMID: 21671394; PMID: 21607748). Also, this variant is rare in population databases. Based on the currently available evidence, this variant is classified as likely pathogenic.

Literature cited by the submitters: PubMed 20711175; PubMed 21671394; PubMed 21607748.